The following is an entry in ClinVar:

ClinVar aggregate classification (germline): Uncertain significance. Review status: criteria provided, multiple submitters, no conflicts (2 of 4 stars). 6 submissions from 6 submitters: Uncertain significance (6). Last evaluated 2025-11-24.

Conditions:
Hypertrophic cardiomyopathy 4. Also called: Familial hypertrophic cardiomyopathy 4. Identifiers: MedGen C1861862, MONDO:0007268, OMIM 115197.
Left ventricular noncompaction 10 (LVNC10). Identifiers: Orphanet 154, Orphanet 54260, MedGen C3715165, MONDO:0014163, OMIM 615396.
Cardiomyopathy (CMYO). Also called: Cardiomyopathies. Identifiers: Orphanet 167848, MedGen C0878544, MONDO:0004994, HP:0001638. Inheritance: Various modes of inheritance.
Hypertrophic cardiomyopathy. Also called: HYPERTROPHIC MYOCARDIOPATHY. Identifiers: Orphanet 217569, MedGen C0007194, MeSH D002312, MONDO:0005045, HP:0001639.

Allele frequency attached by ClinVar (database versions not stated): gnomAD 0.00004; TOPMed 0.00007; ExAC 0.00001; gnomAD exomes 0.00001 and 0.00002.

Submissions (6):

Labcorp Genetics (formerly Invitae), Labcorp
Classification: Uncertain significance for Hypertrophic cardiomyopathy. Last evaluated: 2025-11-24. Review status: criteria provided, single submitter. Criteria: Invitae Variant Classification Sherloc (09022015). Collection method: clinical testing. Allele origin: germline.
Comment: This sequence change replaces alanine, which is neutral and non-polar, with threonine, which is neutral and polar, at codon 1194 of the MYBPC3 protein (p.Ala1194Thr). This variant is present in population databases (rs397516026, gnomAD 0.02%). This missense change has been observed in individual(s) with hypertrophic cardiomyopathy (PMID: 12707239, 22361390, 27532257, 37652022). ClinVar contains an entry for this variant (Variation ID: 42723). An algorithm developed to predict the effect of missense changes on protein structure and function (PolyPhen-2) suggests that this variant is likely to be disruptive. In summary, the available evidence is currently insufficient to determine the role of this variant in disease. Therefore, it has been classified as a Variant of Uncertain Significance.

GeneDx
Classification: Uncertain significance. Last evaluated: 2025-09-11. Review status: criteria provided, single submitter. Criteria: GeneDx Variant Classification Process June 2021. Collection method: clinical testing. Allele origin: germline. Affected: yes.
Comment: In silico analysis supports that this missense variant has a deleterious effect on protein structure/function; Identified in patients with HCM or suspected HCM in published literature (PMID: 27532257, 12707239); This variant is associated with the following publications: (PMID: 22361390, 21415409, 27532257, 28679633, 12707239, 37652022)

All of Us Research Program, National Institutes of Health
Classification: Uncertain significance for Hypertrophic cardiomyopathy. Last evaluated: 2024-09-12. Review status: criteria provided, single submitter. Criteria: ACMG Guidelines, 2015. Collection method: clinical testing. Allele origin: germline. Inheritance: Autosomal dominant inheritance. Observed: 11 variant alleles, 11 heterozygotes.
Comment: This missense variant replaces alanine with threonine at codon 1194 of the MYBPC3 protein. Computational prediction suggests that this variant may not impact protein structure and function (internally defined REVEL score threshold <= 0.5, PMID: 27666373). To our knowledge, functional studies have not been reported for this variant. This variant has been reported in three individuals affected with hypertrophic cardiomyopathy (PMID: 12707239, 18258667, 27532257) and an infant affected with sudden death (PMID: 22361390). This variant has been identified in 9/280378 chromosomes in the general population by the Genome Aggregation Database (gnomAD). The available evidence is insufficient to determine the role of this variant in disease conclusively. Therefore, this variant is classified as a Variant of Uncertain Significance.

This study involves interpretation of variants in research participants for the purpose of population health screening. Participant phenotype was not available at the time of variant classification. Additional details can be found in publication PMID: 35346344, PMCID: PMC8962531

Color Diagnostics, LLC DBA Color Health
Classification: Uncertain significance for Cardiomyopathy. Last evaluated: 2024-03-07. Review status: criteria provided, single submitter. Criteria: ACMG Guidelines, 2015. Collection method: clinical testing. Allele origin: germline.
Comment: This missense variant replaces alanine with threonine at codon 1194 of the MYBPC3 protein. Computational prediction tools indicate that this variant's impact on protein structure and function is inconclusive. To our knowledge, functional studies have not been reported for this variant. This variant has been reported in three individuals affected with hypertrophic cardiomyopathy (PMID: 12707239, 18258667, 27532257) and one infant affected with sudden death (PMID: 22361390). This variant has been identified in 9/280378 chromosomes in the general population by the Genome Aggregation Database (gnomAD). The available evidence is insufficient to determine the role of this variant in disease conclusively. Therefore, this variant is classified as a Variant of Uncertain Significance.

Fulgent Genetics
Classification: Uncertain significance for Hypertrophic cardiomyopathy 4; Left ventricular noncompaction 10. Last evaluated: 2021-10-29. Review status: criteria provided, single submitter. Criteria: ACMG Guidelines, 2015. Collection method: clinical testing. Allele origin: unknown.

Laboratory for Molecular Medicine, Mass General Brigham Personalized Medicine
Classification: Uncertain significance for Hypertrophic cardiomyopathy. Last evaluated: 2019-04-04. Review status: criteria provided, single submitter. Criteria: ACMG Guidelines, 2015. Collection method: clinical testing. Allele origin: germline.
Comment: Disclaimer: This variant has not undergone full assessment. The following are preliminary notes: This variant has been reported in one individual with HCM (Richard 2003) and one individual with SIDS (Brion 2012). Classified as VUS in Walsh 2017. Clinvar: VUS (GeneDx). Gnomad: 0.02% (5 alleles). Prediction tools are conflicting.

Literature cited by the submitters: PubMed 12707239 (cited by 4 submitters); PubMed 22361390 (cited by 3 submitters); PubMed 27532257 (cited by 3 submitters); PubMed 37652022 (cited by Labcorp Genetics (formerly Invitae), Labcorp); PubMed 18258667 (cited by All of Us Research Program, National Institutes of Health and Color Diagnostics, LLC DBA Color Health).

NM_000256.3(MYBPC3):c.3580G>A (p.Ala1194Thr)

Gene: MYBPC3 (myosin binding protein C3; minus strand). Cytogenetic location: 11p11.2.
Variant type: single nucleotide variant.
Coding change: c.3580G>A on transcript NM_000256.3 (MANE Select); coding-DNA position 3580, G replaced by A.
Protein change: p.Ala1194Thr; replaces alanine 1194 with threonine.
Molecular consequence: missense variant.
Genome position (GRCh38, 1-based): chr11:47,332,613, C>T on the plus strand (G>A on the coding strand, the complement: MYBPC3 is on the minus strand). VCF-style: chr11-47332613-C-T. GRCh37 (hg19) VCF-style: chr11-47354164-C-T.
Other names: short protein forms A1194T.
Identifiers: ClinVar variation 42723 (VCV000042723.22), dbSNP rs397516026, ClinGen allele CA014361.